The following is an entry in ClinVar:

NM_000302.4(PLOD1):c.1366T>G (p.Leu456Val)

Gene: PLOD1 (procollagen-lysine,2-oxoglutarate 5-dioxygenase 1; plus strand). Cytogenetic location: 1p36.22.
Variant type: single nucleotide variant.
Coding change: c.1366T>G on transcript NM_000302.4 (MANE Select); coding-DNA position 1366, T replaced by G.
Protein change: p.Leu456Val; replaces leucine 456 with valine.
Molecular consequence: missense variant.
Genome position (GRCh38, 1-based): chr1:11,964,681, T>G. VCF-style: chr1-11964681-T-G. GRCh37 (hg19) VCF-style: chr1-12024738-T-G.
Other names: c.1507T>G, p.Leu503Val (NM_001316320.2); short protein forms L456V, L503V.
Identifiers: ClinVar variation 1770945 (VCV001770945.2), dbSNP rs764003497, ClinGen allele CA598378.
Genomic context (GRCh38, chr1:11,964,681, plus strand): 5'-CCCGCTTTCTGTCTCTCCCACAGTGGTGTCTGGAATGTGCCCTATATTTCAAACATCTAC[T>G]TGATCAAGGGCAGTGCCCTGCGGGGTGAGCTGCAGTCCTCAGATCTCTTCCACCACAGCA-3'
Protein context (NP_000293.2, residues 446-466): WNVPYISNIY[Leu456Val]IKGSALRGEL

ClinVar aggregate classification (germline): Uncertain significance (1 of 4 stars; one submission).

Conditions:
Familial thoracic aortic aneurysm and aortic dissection (TAAD). Also called: Thoracic aortic aneurysms and dissections. Identifiers: Orphanet 91387, MedGen C4707243, MONDO:0019625.

Allele frequency attached by ClinVar (database versions not stated): TOPMed below 0.00001; gnomAD exomes 0.00001; ExAC 0.00003.
gnomAD v4.1: 4 of 1,613,364 alleles (0.00025%); highest among the groups gnomAD compares: Non-Finnish European, 0.00034%; no homozygotes.

Submission:

Ambry Genetics
Classification: Uncertain significance for Familial thoracic aortic aneurysm and aortic dissection. Last evaluated: 2022-01-30. Review status: criteria provided, single submitter. Criteria: Ambry Variant Classification Scheme 2023. Collection method: clinical testing. Allele origin: germline.
Comment: The p.L456V variant (also known as c.1366T>G), located in coding exon 13 of the PLOD1 gene, results from a T to G substitution at nucleotide position 1366. The leucine at codon 456 is replaced by valine, an amino acid with highly similar properties. This amino acid position is conserved. In addition, the in silico prediction for this alteration is inconclusive. Since supporting evidence is limited at this time, the clinical significance of this alteration remains unclear.